The following is an entry in ClinVar:

NM_004260.4(RECQL4):c.2765C>T (p.Thr922Ile)

Gene: RECQL4 (RecQ like helicase 4; minus strand). Cytogenetic location: 8q24.3.
Variant type: single nucleotide variant.
Coding change: c.2765C>T on transcript NM_004260.4 (MANE Select); coding-DNA position 2765, C replaced by T.
Protein change: p.Thr922Ile; replaces threonine 922 with isoleucine.
Molecular consequence: missense variant.
Genome position (GRCh38, 1-based): chr8:144,512,762, G>A on the plus strand (C>T on the coding strand, the complement: RECQL4 is on the minus strand). VCF-style: chr8-144512762-G-A. GRCh37 (hg19) VCF-style: chr8-145738145-G-A.
Other names: short protein forms T922I.
Identifiers: ClinVar variation 459432 (VCV000459432.8), dbSNP rs753044583, ClinGen allele CA4948082.

ClinVar aggregate classification (germline): Uncertain significance. Review status: criteria provided, multiple submitters, no conflicts (2 of 4 stars). 2 submissions from 2 submitters: Uncertain significance (2). Last evaluated 2025-07-30.

Conditions:
Baller-Gerold syndrome (BGS). Also called: CRANIOSYNOSTOSIS WITH RADIAL DEFECTS. Identifiers: Orphanet 1225, MedGen C0265308, MONDO:0009039, OMIM 218600.

Allele frequency attached by ClinVar (database versions not stated): gnomAD 0.00001; TOPMed 0.00001; ExAC 0.00002; gnomAD exomes 0.00002.

Submissions (2):

Labcorp Genetics (formerly Invitae), Labcorp
Classification: Uncertain significance for Baller-Gerold syndrome. Last evaluated: 2025-07-30. Review status: criteria provided, single submitter. Criteria: Invitae Variant Classification Sherloc (09022015). Collection method: clinical testing. Allele origin: germline.
Comment: This sequence change replaces threonine, which is neutral and polar, with isoleucine, which is neutral and non-polar, at codon 922 of the RECQL4 protein (p.Thr922Ile). This variant is present in population databases (rs753044583, gnomAD 0.007%). This variant has not been reported in the literature in individuals affected with RECQL4-related conditions. ClinVar contains an entry for this variant (Variation ID: 459432). Invitae Evidence Modeling of protein sequence and biophysical properties (such as structural, functional, and spatial information, amino acid conservation, physicochemical variation, residue mobility, and thermodynamic stability) indicates that this missense variant is expected to disrupt RECQL4 protein function with a positive predictive value of 80%. In summary, the available evidence is currently insufficient to determine the role of this variant in disease. Therefore, it has been classified as a Variant of Uncertain Significance.

Blueprint Genetics
Classification: Uncertain significance. Last evaluated: 2023-07-05. Review status: criteria provided, single submitter. Criteria: ACMG Guidelines, 2015. Collection method: clinical testing. Allele origin: germline.